The following is an entry in ClinVar:

NM_000238.4(KCNH2):c.3020G>A (p.Arg1007His)

Gene: KCNH2 (potassium voltage-gated channel subfamily H member 2; minus strand). Cytogenetic location: 7q36.1.
Variant type: single nucleotide variant.
Coding change: c.3020G>A on transcript NM_000238.4 (MANE Select); coding-DNA position 3020, G replaced by A.
Protein change: p.Arg1007His; replaces arginine 1007 with histidine.
Molecular consequence: missense variant.
Genome position (GRCh38, 1-based): chr7:150,947,460, C>T on the plus strand (G>A on the coding strand, the complement: KCNH2 is on the minus strand). VCF-style: chr7-150947460-C-T. GRCh37 (hg19) VCF-style: chr7-150644548-C-T.
Other names: c.3020G>A (LRG_288t1); c.2000G>A, p.Arg667His (NM_172057.3); short protein forms R1007H, R667H.
Identifiers: ClinVar variation 67463 (VCV000067463.20), dbSNP rs199473542, ClinGen allele CA007832.

ClinVar aggregate classification (germline): Uncertain significance. Review status: criteria provided, multiple submitters, no conflicts (2 of 4 stars). 7 submissions from 7 submitters: Uncertain significance (6). 1 of the submissions does not count toward it. Last evaluated 2025-06-22.

Conditions:
KCNH2-related disorder. Also called: KCNH2-related disorders; KCNH2-related condition.
Cardiac arrhythmia. Also called: Arrhythmia; Cardiac rhythm disease. Identifiers: MedGen C0003811, MONDO:0007263, HP:0011675.
Familial long QT syndrome (RWS). Also called: Congenital long QT syndrome; Romano-Ward syndrome; VENTRICULAR FIBRILLATION WITH PROLONGED QT INTERVAL. Identifiers: Orphanet 768, MedGen C1141890, MONDO:0019171.
Long QT syndrome (LQTS). Identifiers: MedGen C0023976, MeSH D008133, MONDO:0002442. Disease mechanism: loss of function. Inheritance: Various modes of inheritance.
Short QT syndrome type 1. Identifiers: Orphanet 51083, MedGen C1865020, MONDO:0012312, OMIM 609620.
Long QT syndrome 2 (LQT2). Identifiers: Orphanet 101016, Orphanet 768, MedGen C3150943, MONDO:0013367, OMIM 613688.

Allele frequency attached by ClinVar (database versions not stated): gnomAD exomes 0.00002 and 0.00004; TOPMed 0.00003; gnomAD 0.00002.
gnomAD v4.1: 63 of 1,569,204 alleles (0.004%); highest among the groups gnomAD compares: African/African-American, 0.0054%; no homozygotes.

Submissions (7):

Labcorp Genetics (formerly Invitae), Labcorp
Classification: Uncertain significance for Long QT syndrome. Last evaluated: 2025-06-22. Review status: criteria provided, single submitter. Criteria: Invitae Variant Classification Sherloc (09022015). Collection method: clinical testing. Allele origin: germline.
Comment: This sequence change replaces arginine, which is basic and polar, with histidine, which is basic and polar, at codon 1007 of the KCNH2 protein (p.Arg1007His). The frequency data for this variant in the population databases is considered unreliable, as metrics indicate poor data quality at this position in the gnomAD database. This missense change has been observed in individuals with long QT syndrome (PMID: 19597050, 19716085, 22429796). ClinVar contains an entry for this variant (Variation ID: 67463). An algorithm developed to predict the effect of missense changes on protein structure and function outputs the following: PolyPhen-2: "Benign". The histidine amino acid residue is found in multiple mammalian species, which suggests that this missense change does not adversely affect protein function. Experimental studies have shown that this missense change does not substantially affect KCNH2 function (PMID: 25417810). In summary, the available evidence is currently insufficient to determine the role of this variant in disease. Therefore, it has been classified as a Variant of Uncertain Significance.

PreventionGenetics, part of Exact Sciences
Classification: Uncertain significance for KCNH2-related condition. Last evaluated: 2024-11-26. Review status: criteria provided, single submitter. Criteria: ACMG Guidelines, 2015. Collection method: clinical testing. Allele origin: germline.
Comment: The KCNH2 c.3020G>A variant is predicted to result in the amino acid substitution p.Arg1007His. This variant has been reported in individuals with long QT syndrome, cardiac arrest, as well as a personal or family history of Torsade de pointes and/or sudden cardiac death (Krahn et al. 2009. PubMed ID: 19597050; Table S2, Kapplinger et al. 2009. PubMed ID: 19716085; Obeyesekere et al. 2012. PubMed ID: 22429796). Functional studies showed that this variant does not affect protein trafficking (Anderson et al. 2014. PubMed ID: 25417810). This variant is reported in 0.011% of alleles in individuals of African descent in gnomAD. At this time, the clinical significance of this variant is uncertain due to the absence of conclusive functional and genetic evidence.

All of Us Research Program, National Institutes of Health
Classification: Uncertain significance for Long QT syndrome. Last evaluated: 2024-08-13. Review status: criteria provided, single submitter. Criteria: ACMG Guidelines, 2015. Collection method: clinical testing. Allele origin: germline. Inheritance: Autosomal dominant inheritance. Observed: 5 variant alleles, 5 heterozygotes.
Comment: This missense variant replaces arginine with histidine at codon 1007 of the KCNH2 protein. Computational prediction tools and conservation analyses are inconclusive regarding the impact of this variant on the protein function. A functional study has shown that this variant does not impact protein trafficking (PMID: 25417810). This variant has been reported in individuals affected with exercise-induced QT prolongation (PMID: 19597050), sudden cardiac death (PMID: 22429796), and referred for long QT syndrome genetic testing (PMID: 19716085). This variant has been identified in 3/175118 chromosomes in the general population by the Genome Aggregation Database (gnomAD). The available evidence is insufficient to determine the role of this variant in disease conclusively. Therefore, this variant is classified as a Variant of Uncertain Significance.

This study involves interpretation of variants in research participants for the purpose of population health screening. Participant phenotype was not available at the time of variant classification. Additional details can be found in publication PMID: 35346344, PMCID: PMC8962531

Color Diagnostics, LLC DBA Color Health
Classification: Uncertain significance for Cardiac arrhythmia. Last evaluated: 2024-02-15. Review status: criteria provided, single submitter. Criteria: ACMG Guidelines, 2015. Collection method: clinical testing. Allele origin: germline.
Comment: This missense variant replaces arginine with histidine at codon 1007 of the KCNH2 protein. Computational prediction tools and conservation analyses are inconclusive regarding the impact of this variant on the protein function. A functional study has shown that this variant does not impact protein trafficking (PMID: 25417810). This variant has been reported in individuals affected with exercise-induced QT prolongation (PMID: 19597050), sudden cardiac death (PMID: 22429796), and referred for long QT syndrome genetic testing (PMID: 19716085). This variant has been identified in 3/175118 chromosomes in the general population by the Genome Aggregation Database (gnomAD). The available evidence is insufficient to determine the role of this variant in disease conclusively. Therefore, this variant is classified as a Variant of Uncertain Significance.

Fulgent Genetics
Classification: Uncertain significance for Short QT syndrome type 1; Long QT syndrome 2. Last evaluated: 2022-05-03. Review status: criteria provided, single submitter. Criteria: ACMG Guidelines, 2015. Collection method: clinical testing. Allele origin: unknown.

AiLife Diagnostics
Classification: Uncertain significance. Last evaluated: 2021-08-31. Review status: criteria provided, single submitter. Criteria: ACMG Guidelines, 2015. Collection method: clinical testing. Allele origin: germline. Affected: yes. Observed: 1 variant allele.

Cardiovascular Biomedical Research Unit, Royal Brompton & Harefield NHS Foundation Trust
No classification provided. Condition: Familial long QT syndrome. Review status: no classification provided. Collection method: literature only. Allele origin: germline. Not counted in ClinVar's aggregate classification.
Comment: This variant has been reported as associated with Long QT syndrome in the following publications (PMID:19716085;PMID:22429796). This is a literature report, and does not necessarily reflect the clinical interpretation of the Imperial College / Royal Brompton Cardiovascular Genetics laboratory.

Literature cited by the submitters: PubMed 19597050 (cited by 3 submitters); PubMed 19716085 (cited by 5 submitters); PubMed 22429796 (cited by 5 submitters); PubMed 25417810 (cited by 4 submitters); PubMed 32048431 (cited by AiLife Diagnostics); PubMed 22581653 (cited by Cardiovascular Biomedical Research Unit, Royal Brompton & Harefield NHS Foundation Trust).